The following is an entry in ClinVar:

NM_024548.4(CEP97):c.511A>G (p.Ser171Gly)

Gene: CEP97 (centrosomal protein 97; plus strand). Cytogenetic location: 3q12.3.
Variant type: single nucleotide variant.
Coding change: c.511A>G on transcript NM_024548.4 (MANE Select); coding-DNA position 511, A replaced by G.
Protein change: p.Ser171Gly; replaces serine 171 with glycine.
Molecular consequence: missense variant.
Genome position (GRCh38, 1-based): chr3:101,731,903, A>G. VCF-style: chr3-101731903-A-G. GRCh37 (hg19) VCF-style: chr3-101450747-A-G.
Other names: c.511A>G, p.Ser171Gly (NM_001303401.2); c.409A>G, p.Ser137Gly (NM_001410784.1, NM_001410785.1); short protein forms S171G, S137G.
Identifiers: ClinVar variation 2804727 (VCV002804727.3), dbSNP rs1448470191, ClinGen allele CA353886243.
Genomic context (GRCh38, chr3:101,731,903, plus strand): 5'-CTGCTTTTACATGGAAACATCATCACCTCTCTTAGAATGGCACCTGCTTACCTACCCAGA[A>G]GTCTTGCTATACTTTCTTTGGCAGAAAATGAAATCCGAGACTTAAATGAGGTAAAATTTG-3'
Protein context (NP_078824.2, residues 161-181): LRMAPAYLPR[Ser171Gly]LAILSLAENE

ClinVar aggregate classification (germline): Uncertain significance (1 of 4 stars; one submission).

Allele frequency attached by ClinVar (database versions not stated): gnomAD exomes below 0.00001; TOPMed below 0.00001; gnomAD 0.00001.
gnomAD v4.1: 2 of 1,611,998 alleles (0.00012%); highest among the groups gnomAD compares: African/African-American, 0.0013%; no homozygotes.

Submission:

Labcorp Genetics (formerly Invitae), Labcorp
Classification: Uncertain significance. Last evaluated: 2023-11-21. Review status: criteria provided, single submitter. Criteria: Invitae Variant Classification Sherloc (09022015). Collection method: clinical testing. Allele origin: germline.
Comment: This sequence change replaces serine, which is neutral and polar, with glycine, which is neutral and non-polar, at codon 171 of the CEP97 protein (p.Ser171Gly). This variant is not present in population databases (gnomAD no frequency). This variant has not been reported in the literature in individuals affected with CEP97-related conditions. Advanced modeling of protein sequence and biophysical properties (such as structural, functional, and spatial information, amino acid conservation, physicochemical variation, residue mobility, and thermodynamic stability) performed at Invitae indicates that this missense variant is not expected to disrupt CEP97 protein function with a negative predictive value of 80%. In summary, the available evidence is currently insufficient to determine the role of this variant in disease. Therefore, it has been classified as a Variant of Uncertain Significance.